The following is an entry in ClinVar:

ClinVar aggregate classification (germline): Pathogenic/Likely pathogenic. Review status: criteria provided, multiple submitters, no conflicts (2 of 4 stars). 6 submissions from 6 submitters: Pathogenic (4); Likely pathogenic (1). 1 of the submissions does not count toward it. Last evaluated 2026-07-31.

Conditions:
IQCE-related disorder. Also called: IQCE-related condition.
Polydactyly, postaxial, type a7. Identifiers: MedGen C4539976, MONDO:0060550, OMIM 617642.
Polydactyly, postaxial, type A1. Identifiers: MedGen C4282400, MONDO:0008266, OMIM 174200.

Submissions (7):

PreventionGenetics, part of Exact Sciences
Classification: Likely pathogenic for IQCE-related condition. Last evaluated: 2026-07-31. Review status: criteria provided, single submitter. Criteria: ACMG Guidelines, 2015. Collection method: clinical testing. Allele origin: germline.
Comment: The IQCE c.1350_1353delAGAG variant is predicted to result in a frameshift and premature protein termination (p.Glu451Argfs*15). This variant has been reported in the compound heterozygous state with the IQCE c.895_904del (p.Val301Serfs*8) variant in three siblings with postaxial polydactyly (Estrada-Cuzcano et al. 2020. PubMed ID: 31549751). This variant is reported in 0.073% of alleles in individuals of Latino descent in gnomAD). Frameshift variants in IQCE are expected to be pathogenic. This variant is interpreted as likely pathogenic.

Victorian Clinical Genetics Services, Murdoch Childrens Research Institute
Classification: Pathogenic for Polydactyly, postaxial, type a7. Last evaluated: 2026-07-21. Review status: criteria provided, single submitter. Criteria: ACMG Guidelines, 2015. Collection method: clinical testing. Allele origin: germline. Affected: yes.
Comment: This variant is classified as Pathogenic. Evidence in support of pathogenic classification: Canonical splice site variant without proven consequence on splicing (no functional evidence available). This deletion involves the the canonical splice site and two nucleotides of the coding region. - This variant is present in gnomAD <0.01 for a recessive condition (v4: 434 heterozygote(s), 0 homozygote(s)); This variant has moderate previous evidence of pathogenicity in unrelated individuals. This variant has been classified as pathogenic/likely pathogenic by clinical laboratories in ClinVar. This variant has also been reported in compound heterozygous state with another high impact variant in a family with polydactyly (PMID: 31549751); Abnormal splicing is predicted by in silico tool and affected nucleotide is highly conserved. Additional information: This variant is heterozygous; This gene is associated with autosomal recessive disease; Loss of function is a known mechanism of disease in this gene and is associated with postaxial polydactyly type A7 (MIM#617642); Variants in this gene are known to have variable expressivity. Intrafamilial variability has been described (OMIM).

Dasa
Classification: Pathogenic. Last evaluated: 2025-11-11. Review status: criteria provided, single submitter. Criteria: DASA Assertion Criteria. Collection method: clinical testing. Allele origin: germline.
Comment: NM_152558.5(IQCE):c.1350_1353del (p.Glu451Argfs*15) is a frameshift variant in IQCE predicted to alter the reading frame and introduce a premature termination codon and is predicted to result in an absent or altered protein product. Loss of function is an established disease mechanism for IQCE-associated disorders. Segregation data support an association with disease in the reported family/families. This variant has been reported in individuals with IQCE-related disorders (PMID: 31549751). Also, this variant is rare in population databases. Based on the currently available evidence, this variant is classified as pathogenic.

GeneDx
Classification: Pathogenic. Last evaluated: 2025-08-13. Review status: criteria provided, single submitter. Criteria: GeneDx Variant Classification Process June 2021. Collection method: clinical testing. Allele origin: germline. Affected: yes.
Comment: Frameshift variant predicted to result in protein truncation or nonsense mediated decay in a gene for which loss of function is a known mechanism of disease; This variant is associated with the following publications: (PMID: 37323200, 31549751)

Laboratory of Medical Genetics (UMR_S 1112), INSERM/Strasbourg University
Classification: Pathogenic for Postaxial polydactyly. Last evaluated: 2019-02-01. Review status: criteria provided, single submitter. Criteria: Submitter's publication. Collection method: research. Allele origin: maternal. Inheritance: Autosomal recessive inheritance. Affected: yes. Observed: 4 variant alleles.

OMIM
Classification: Pathogenic for POLYDACTYLY, POSTAXIAL, TYPE A7. Last evaluated: 2020-09-11. Review status: no assertion criteria provided. Collection method: literature only. Allele origin: germline. Not counted in ClinVar's aggregate classification.

Dr. Peter K. Rogan Lab, Western University
No classification provided (evidence only). Condition: Familial pancreatic carcinoma. Review status: no classification provided. Collection method: in vitro. Allele origin: not applicable. Functional consequence: cryptic splice site. Not counted in ClinVar's aggregate classification.

Literature cited by the submitters: PubMed 31549751 (cited by 3 submitters).

NM_152558.5(IQCE):c.1350_1353del

Gene: IQCE (IQ motif containing E; plus strand). Cytogenetic location: 7p22.3.
Variant type: Microsatellite.
Coding change: c.1350_1353del on transcript NM_152558.5 (MANE Select); coding-DNA positions 1350 to 1353, 4 bases deleted (AGAG; older notation c.1350_1353delAGAG).
Molecular consequence: splice acceptor variant.
Genome position (GRCh38, 1-based): chr7:2,594,886-2,594,889, AGAG deleted; deleting any 4 consecutive bases within chr7:2,594,884-2,594,889 gives the same sequence; the c. name uses the placement nearest the transcript's 3' end. VCF-style (leftmost placement, unchanged base first): chr7-2594883-TAGAG-T. GRCh37 (hg19) VCF-style: chr7-2634517-TAGAG-T.
Other names: NC_000007.13:g.2634520_2634523del; c.1350_1353delAGAG (NM_152558.4).
Identifiers: ClinVar variation 638150 (VCV000638150.12), dbSNP rs760694987, ClinGen allele CA4129168.
Genomic context (GRCh38, chr7:2,594,883, plus strand): 5'-CTGTGCCGGCCTTCATCACATAGTGACAGGTGAGGTGTCTCATCTTTTCCCTTTCCGCCT[TAGAG>T]AGGAGATTCAGACACTTACCAGCAAGCTCCAAGAATTGCAAGAAATGAAGAAAGAAGAGA-3'